The following is an entry in ClinVar:

NM_000466.3(PEX1):c.1620C>G (p.Asn540Lys)

Gene: PEX1 (peroxisomal biogenesis factor 1; minus strand). Cytogenetic location: 7q21.2.
Variant type: single nucleotide variant.
Coding change: c.1620C>G on transcript NM_000466.3 (MANE Select); coding-DNA position 1620, C replaced by G.
Protein change: p.Asn540Lys; replaces asparagine 540 with lysine.
Molecular consequence: missense variant.
Genome position (GRCh38, 1-based): chr7:92,509,379, G>C on the plus strand (C>G on the coding strand, the complement: PEX1 is on the minus strand). VCF-style: chr7-92509379-G-C. GRCh37 (hg19) VCF-style: chr7-92138693-G-C.
Other names: c.1620C>G, p.Asn540Lys (NM_001282677.2); c.996C>G, p.Asn332Lys (NM_001282678.2); short protein forms N332K, N540K.
Identifiers: ClinVar variation 966904 (VCV000966904.10), dbSNP rs917874479, ClinGen allele CA161967529.

ClinVar aggregate classification (germline): Uncertain significance. Review status: criteria provided, multiple submitters, no conflicts (2 of 4 stars). 3 submissions from 3 submitters: Uncertain significance (2). 1 of the submissions does not count toward it. Last evaluated 2025-06-04.

Conditions:
Zellweger spectrum disorders (ZS). Also called: Zellweger Spectrum Disorder; Zellweger Spectrum; Zellweger syndrome; Zellweger Spectrum Disorder (ZSD). Identifiers: Orphanet 912, MedGen C0043459, MONDO:0019609.
Inborn genetic diseases. Identifiers: MedGen C0950123, MeSH D030342.

Allele frequency attached by ClinVar (database versions not stated): gnomAD exomes below 0.00001 and 0.00001; gnomAD 0.00001; TOPMed 0.00001.
gnomAD v4.1: 7 of 1,612,674 alleles (0.00043%); highest among the groups gnomAD compares: African/African-American, 0.0013%; no homozygotes.

Submissions (3):

Labcorp Genetics (formerly Invitae), Labcorp
Classification: Uncertain significance for Zellweger spectrum disorders. Last evaluated: 2025-06-04. Review status: criteria provided, single submitter. Criteria: Invitae Variant Classification Sherloc (09022015). Collection method: clinical testing. Allele origin: germline.
Comment: This sequence change replaces asparagine, which is neutral and polar, with lysine, which is basic and polar, at codon 540 of the PEX1 protein (p.Asn540Lys). This variant is present in population databases (no rsID available, gnomAD 0.002%). This variant has not been reported in the literature in individuals affected with PEX1-related conditions. ClinVar contains an entry for this variant (Variation ID: 966904). Invitae Evidence Modeling of protein sequence and biophysical properties (such as structural, functional, and spatial information, amino acid conservation, physicochemical variation, residue mobility, and thermodynamic stability) indicates that this missense variant is not expected to disrupt PEX1 protein function with a negative predictive value of 95%. In summary, the available evidence is currently insufficient to determine the role of this variant in disease. Therefore, it has been classified as a Variant of Uncertain Significance.

Ambry Genetics
Classification: Uncertain significance for Inborn genetic diseases. Last evaluated: 2024-10-19. Review status: criteria provided, single submitter. Criteria: Ambry Variant Classification Scheme 2023. Collection method: clinical testing. Allele origin: germline.

Natera, Inc.
Classification: Uncertain significance for Zellweger syndrome. Last evaluated: 2018-09-29. Review status: no assertion criteria provided. Collection method: clinical testing. Allele origin: germline. Not counted in ClinVar's aggregate classification.